The following is an entry in ClinVar:

NM_001267550.2(TTN):c.24905C>A (p.Thr8302Lys)

Gene: TTN (titin; minus strand). Cytogenetic location: 2q31.2.
Variant type: single nucleotide variant.
Coding change: c.24905C>A on transcript NM_001267550.2 (MANE Select); coding-DNA position 24905, C replaced by A.
Protein change: p.Thr8302Lys; replaces threonine 8302 with lysine.
Molecular consequence: missense variant. On other transcripts: intron variant (3).
Genome position (GRCh38, 1-based): chr2:178,718,101, G>T on the plus strand (C>A on the coding strand, the complement: TTN is on the minus strand). VCF-style: chr2-178718101-G-T. GRCh37 (hg19) VCF-style: chr2-179582828-G-T.
Other names: c.23954C>A, p.Thr7985Lys (NM_001256850.1); c.21173C>A, p.Thr7058Lys (NM_133378.4); c.13282+19981C>A (NM_003319.4); c.13858+19981C>A (NM_133437.4); c.13657+19981C>A (NM_133432.3); short protein forms T7058K, T8302K, T7985K.
Identifiers: ClinVar variation 229403 (VCV000229403.15), dbSNP rs549604128, ClinGen allele CA2000326.

ClinVar aggregate classification (germline): Conflicting classifications of pathogenicity. Review status: criteria provided, conflicting classifications (1 of 4 stars). 11 submissions from 7 submitters: Uncertain significance (8); Benign (2); Likely benign (1). Last evaluated 2020-10-13.

Conditions:
Autosomal recessive limb-girdle muscular dystrophy type 2J (LGMDR10). Also called: Limb-girdle muscular dystrophy, type 2J; MUSCULAR DYSTROPHY, LIMB-GIRDLE, AUTOSOMAL RECESSIVE 10. Identifiers: Orphanet 140922, MedGen C1837342, MONDO:0012127, OMIM 608807.
Tibial muscular dystrophy (TMD). Also called: Tibial muscular dystrophy, tardive; Udd Distal Myopathy – Tibial Muscular Dystrophy; UDD MYOPATHY. Identifiers: Orphanet 609, MedGen C1838244, MONDO:0010870, OMIM 600334.
Myopathy, myofibrillar, 9, with early respiratory failure (MFM9). Also called: Hereditary myopathy with early respiratory failure; Myopathy, distal, with early respiratory failure, autosomal dominant; EDSTROM MYOPATHY; MYOPATHY, PROXIMAL, WITH EARLY RESPIRATORY MUSCLE INVOLVEMENT. Identifiers: Orphanet 178464, Orphanet 34521, MedGen C1863599, MONDO:0011362, OMIM 603689.
Early-onset myopathy with fatal cardiomyopathy (CMYO5). Also called: Salih Myopathy; CONGENITAL MYOPATHY 5 WITH CARDIOMYOPATHY. Identifiers: Orphanet 289377, MedGen C2673677, MONDO:0012714, OMIM 611705. Disease mechanism: loss of function.
Hypertrophic cardiomyopathy 9. Also called: Familial hypertrophic cardiomyopathy 9. Identifiers: MedGen C1861065, MONDO:0013412, OMIM 613765.
Dilated cardiomyopathy 1G (CMD1G). Identifiers: Orphanet 154, MedGen C1858763, MONDO:0011400, OMIM 604145.
Cardiomyopathy (CMYO). Also called: Cardiomyopathies. Identifiers: Orphanet 167848, MedGen C0878544, MONDO:0004994, HP:0001638. Inheritance: Various modes of inheritance.

Allele frequency attached by ClinVar (database versions not stated): gnomAD exomes 0.00002 and 0.00009; gnomAD 0.00003 and 0.00005; TOPMed 0.00005; ExAC 0.00008; 1000 Genomes Project 30x 0.00031; 1000 Genomes Project 0.00040.
gnomAD v4.1: 36 of 1,612,926 alleles (0.0022%); highest among the groups gnomAD compares: East Asian, 0.062%; no homozygotes.

Submissions (11):

Revvity Omics, Revvity
Classification: Uncertain significance. Last evaluated: 2020-10-13. Review status: criteria provided, single submitter. Criteria: ACMG Guidelines, 2015. Collection method: clinical testing. Allele origin: germline.

Blueprint Genetics
Classification: Uncertain significance. Last evaluated: 2019-08-13. Review status: criteria provided, single submitter. Criteria: ACMG Guidelines, 2015. Collection method: clinical testing. Allele origin: germline.

Fulgent Genetics
Classification: Uncertain significance for Tibial muscular dystrophy; Myopathy, myofibrillar, 9, with early respiratory failure; Dilated cardiomyopathy 1G; Autosomal recessive limb-girdle muscular dystrophy type 2J; Early-onset myopathy with fatal cardiomyopathy; Hypertrophic cardiomyopathy 9. Last evaluated: 2018-10-31. Review status: criteria provided, single submitter. Criteria: ACMG Guidelines, 2015. Collection method: clinical testing. Allele origin: unknown.

Athena Diagnostics
Classification: Likely benign. Last evaluated: 2018-09-12. Review status: criteria provided, single submitter. Criteria: Athena Diagnostics Criteria. Collection method: clinical testing. Allele origin: germline.

Illumina Laboratory Services, Illumina
Classification: Benign for Tibial muscular dystrophy. Last evaluated: 2018-01-13. Review status: criteria provided, single submitter. Criteria: ICSL Variant Classification Criteria 13 December 2019. Collection method: clinical testing. Allele origin: germline.
Comment: This variant was observed in the ICSL laboratory as part of a predisposition screen in an ostensibly healthy population. It had not been previously curated by ICSL or reported in the Human Gene Mutation Database (HGMD: prior to June 1st, 2018), and was therefore a candidate for classification through an automated scoring system. Utilizing variant allele frequency, disease prevalence and penetrance estimates, and inheritance mode, an automated score was calculated to assess if this variant is too frequent to cause the disease. Based on the score and internal cut-off values, a variant classified as benign is not then subjected to further curation. The score for this variant resulted in a classification of benign for this disease.

Illumina Laboratory Services, Illumina
Classification: Benign for Myopathy, myofibrillar, 9, with early respiratory failure. Last evaluated: 2018-01-13. Review status: criteria provided, single submitter. Criteria: ICSL Variant Classification Criteria 13 December 2019. Collection method: clinical testing. Allele origin: germline.
Comment: the same text as in the submission from Illumina Laboratory Services, Illumina above.

Illumina Laboratory Services, Illumina
Classification: Uncertain significance for Early-onset myopathy with fatal cardiomyopathy. Last evaluated: 2018-01-13. Review status: criteria provided, single submitter. Criteria: ICSL Variant Classification Criteria 13 December 2019. Collection method: clinical testing. Allele origin: germline.

Illumina Laboratory Services, Illumina
Classification: Uncertain significance for Dilated cardiomyopathy 1G. Last evaluated: 2018-01-13. Review status: criteria provided, single submitter. Criteria: ICSL Variant Classification Criteria 13 December 2019. Collection method: clinical testing. Allele origin: germline.

Illumina Laboratory Services, Illumina
Classification: Uncertain significance for Autosomal recessive limb-girdle muscular dystrophy type 2J. Last evaluated: 2018-01-13. Review status: criteria provided, single submitter. Criteria: ICSL Variant Classification Criteria 13 December 2019. Collection method: clinical testing. Allele origin: germline.

CHEO Genetics Diagnostic Laboratory, Children's Hospital of Eastern Ontario
Classification: Uncertain significance for Cardiomyopathy. Last evaluated: 2016-11-22. Review status: criteria provided, single submitter. Criteria: ACMG Guidelines, 2015. Collection method: clinical testing. Allele origin: germline. Study: Canadian Open Genetics Repository.

Laboratory for Molecular Medicine, Mass General Brigham Personalized Medicine
Classification: Uncertain significance. Last evaluated: 2015-05-07. Review status: criteria provided, single submitter. Criteria: LMM Criteria. Collection method: clinical testing. Allele origin: germline. Observed: 1 variant allele.
Comment: Variant classified as Uncertain Significance - Favor Benign. The p.Thr7058Lys va riant in TTN has not been previously reported in individuals with cardiomyopathy , but has been identified in 0.1% (8/8604) of East Asian chromosomes by the Exom e Aggregation Consortium (ExAC). Computational p rediction tools and conservation analysis suggest that this variant may not impa ct the protein, though this information is not predictive enough to rule out pat hogenicity. In summary, while the clinical significance of the p.Thr7058Lys vari ant is uncertain, its frequency suggests that it is more likely to be benign.